The following is an entry in ClinVar:

ClinVar aggregate classification (germline): Uncertain significance (1 of 4 stars; one submission).

Conditions:
DYRK1A-related intellectual disability syndrome (MRD7). Also called: DYRK1A Syndrome; Intellectual developmental disorder, autosomal dominant 7. Identifiers: Orphanet 464306, MedGen C5568143, MONDO:0013578, OMIM 614104.

Submission:

Labcorp Genetics (formerly Invitae), Labcorp
Classification: Uncertain significance for DYRK1A-related intellectual disability syndrome. Last evaluated: 2024-09-09. Review status: criteria provided, single submitter. Criteria: Invitae Variant Classification Sherloc (09022015). Collection method: clinical testing. Allele origin: germline.
Comment: This sequence change replaces valine, which is neutral and non-polar, with isoleucine, which is neutral and non-polar, at codon 632 of the DYRK1A protein (p.Val632Ile). This variant is not present in population databases (gnomAD no frequency). This variant has not been reported in the literature in individuals affected with DYRK1A-related conditions. An algorithm developed to predict the effect of missense changes on protein structure and function (PolyPhen-2) suggests that this variant is likely to be tolerated. In summary, the available evidence is currently insufficient to determine the role of this variant in disease. Therefore, it has been classified as a Variant of Uncertain Significance.

NM_001347721.2(DYRK1A):c.1867G>A (p.Val623Ile)

Gene: DYRK1A (dual specificity tyrosine phosphorylation regulated kinase 1A; plus strand). Cytogenetic location: 21q22.13.
Variant type: single nucleotide variant.
Coding change: c.1867G>A on transcript NM_001347721.2 (MANE Select); coding-DNA position 1867, G replaced by A.
Protein change: p.Val623Ile; replaces valine 623 with isoleucine.
Molecular consequence: missense variant. On other transcripts: 3 prime UTR variant (2).
Genome position (GRCh38, 1-based): chr21:37,512,133, G>A. VCF-style: chr21-37512133-G-A. GRCh37 (hg19) VCF-style: chr21-38884436-G-A.
Other names: c.1867G>A, p.Val623Ile (NM_001347722.2, NM_130436.2); c.1780G>A, p.Val594Ile (NM_001347723.2); c.1894G>A, p.Val632Ile (NM_001396.5); c.*270G>A (NM_101395.2); c.*179G>A (NM_130438.2); short protein forms V594I, V623I, V632I.
Identifiers: ClinVar variation 3720203 (VCV003720203.2).